The following is an entry in ClinVar:

ClinVar aggregate classification (germline): Uncertain significance (1 of 4 stars; one submission).

gnomAD v4.1: 5 of 1,613,142 alleles (0.00031%); highest among the groups gnomAD compares: Non-Finnish European, 0.00042%; no homozygotes.

Submission:

Ambry Genetics
Classification: Uncertain significance. Last evaluated: 2024-12-08. Review status: criteria provided, single submitter. Criteria: Ambry Variant Classification Scheme 2023. Collection method: clinical testing. Allele origin: germline.
Comment: The p.S842N variant (also known as c.2525G>A), located in coding exon 11 of the WNK2 gene, results from a G to A substitution at nucleotide position 2525. The serine at codon 842 is replaced by asparagine, an amino acid with highly similar properties. This amino acid position is conserved. In addition, this alteration is predicted to be tolerated by in silico analysis. Based on the available evidence, the clinical significance of this variant remains unclear.

NM_006648.4(WNK2):c.2525G>A (p.Ser842Asn)

Gene: WNK2 (WNK lysine deficient protein kinase 2; plus strand). Cytogenetic location: 9q22.31.
Variant type: single nucleotide variant.
Coding change: c.2525G>A on transcript NM_006648.4 (MANE Select); coding-DNA position 2525, G replaced by A.
Protein change: p.Ser842Asn; replaces serine 842 with asparagine.
Molecular consequence: missense variant.
Genome position (GRCh38, 1-based): chr9:93,259,073, G>A. VCF-style: chr9-93259073-G-A. GRCh37 (hg19) VCF-style: chr9-96021355-G-A.
Other names: c.2525G>A, p.Ser842Asn (NM_001282394.3); short protein forms S842N.
Identifiers: ClinVar variation 3470647 (VCV003470647.1).